The following is an entry in ClinVar:

NM_171998.4(RAB39B):c.543A>G (p.Thr181=)

Gene: RAB39B (RAB39B, member RAS oncogene family; minus strand). Cytogenetic location: Xq28.
Variant type: single nucleotide variant.
Coding change: c.543A>G on transcript NM_171998.4 (MANE Select); coding-DNA position 543, A replaced by G.
Protein change: p.Thr181=; no amino-acid change (threonine 181 retained).
Molecular consequence: synonymous variant.
Genome position (GRCh38, 1-based): chrX:155,260,902, T>C on the plus strand (A>G on the coding strand, the complement: RAB39B is on the minus strand). VCF-style: chrX-155260902-T-C. GRCh37 (hg19) VCF-style: chrX-154490187-T-C.
Identifiers: ClinVar variation 195426 (VCV000195426.50), dbSNP rs369970931, ClinGen allele CA201736.

ClinVar aggregate classification (germline): Benign/Likely benign. Review status: criteria provided, multiple submitters, no conflicts (2 of 4 stars). 10 submissions from 10 submitters: Benign (3); Likely benign (4). 3 of the submissions do not count toward it. Last evaluated 2025-09-22.

Conditions:
Inborn genetic diseases. Identifiers: MedGen C0950123, MeSH D030342.
Intellectual developmental disorder, X-linked 72. Also called: Intellectual disability, X-linked 72. Identifiers: Orphanet 777, MedGen C1846038, MONDO:0010289, OMIM 300271.
RAB39B-related disorder. Also called: RAB39B-related condition.

Allele frequency attached by ClinVar (database versions not stated): TOPMed 0.00021; gnomAD exomes 0.00022 and 0.00037; gnomAD 0.00024; ESP Exome Variant Server 0.00028; ExAC 0.00034.
gnomAD v4.1: 443 of 1,209,627 alleles (0.037%); highest among the groups gnomAD compares: Non-Finnish European, 0.045%; no homozygotes.

Submissions (10):

Labcorp Genetics (formerly Invitae), Labcorp
Classification: Benign. Last evaluated: 2025-09-22. Review status: criteria provided, single submitter. Criteria: Invitae Variant Classification Sherloc (09022015). Collection method: clinical testing. Allele origin: germline.

Blueprint Genetics
Classification: Likely benign. Last evaluated: 2024-10-30. Review status: criteria provided, single submitter. Criteria: ACMG Guidelines, 2015. Collection method: clinical testing. Allele origin: germline.

CeGaT Center for Human Genetics Tuebingen
Classification: Likely benign. Last evaluated: 2022-12-01. Review status: criteria provided, single submitter. Criteria: CeGaT Center For Human Genetics Tuebingen Variant Classification Criteria Version 2. Collection method: clinical testing. Allele origin: germline. Affected: yes. Observed: 1 variant allele.
Comment: RAB39B: BP4, BP7, BS2

Illumina Laboratory Services, Illumina
Classification: Benign for Intellectual developmental disorder, X-linked 72. Last evaluated: 2018-01-12. Review status: criteria provided, single submitter. Criteria: ICSL Variant Classification Criteria 13 December 2019. Collection method: clinical testing. Allele origin: germline.
Comment: This variant was observed in the ICSL laboratory as part of a predisposition screen in an ostensibly healthy population. It had not been previously curated by ICSL or reported in the Human Gene Mutation Database (HGMD: prior to June 1st, 2018), and was therefore a candidate for classification through an automated scoring system. Utilizing variant allele frequency, disease prevalence and penetrance estimates, and inheritance mode, an automated score was calculated to assess if this variant is too frequent to cause the disease. Based on the score and internal cut-off values, a variant classified as benign is not then subjected to further curation. The score for this variant resulted in a classification of benign for this disease.

Ambry Genetics
Classification: Likely benign for Inborn genetic diseases. Last evaluated: 2016-06-09. Review status: criteria provided, single submitter. Criteria: Ambry Variant Classification Scheme 2023. Collection method: clinical testing. Allele origin: germline.

Genetic Services Laboratory, University of Chicago
Classification: Likely benign. Last evaluated: 2015-08-19. Review status: criteria provided, single submitter. Criteria: ACMG Guidelines, 2015. Collection method: clinical testing. Allele origin: germline. Affected: no.

Eurofins Ntd Llc (ga)
Classification: Benign. Last evaluated: 2015-04-03. Review status: criteria provided, single submitter. Criteria: EGL Classification Definitions 2015. Collection method: clinical testing. Allele origin: germline. Observed: 1 variant allele, 1 hemizygote.

PreventionGenetics, part of Exact Sciences
Classification: Likely benign for RAB39B-related condition. Last evaluated: 2019-10-15. Review status: no assertion criteria provided. Collection method: clinical testing. Allele origin: germline. Not counted in ClinVar's aggregate classification.
Comment: This variant is classified as likely benign based on ACMG/AMP sequence variant interpretation guidelines (Richards et al. 2015 PMID: 25741868, with internal and published modifications).

Diagnostic Laboratory, Department of Genetics, University Medical Center Groningen
Classification: Likely benign. Review status: no assertion criteria provided. Collection method: clinical testing. Allele origin: germline. Affected: yes. Study: VKGL Data-share Consensus. Not counted in ClinVar's aggregate classification.

Genome Diagnostics Laboratory, University Medical Center Utrecht
Classification: Likely benign. Review status: no assertion criteria provided. Collection method: clinical testing. Allele origin: germline. Affected: yes. Study: VKGL Data-share Consensus. Not counted in ClinVar's aggregate classification.

Literature cited by the submitters: PubMed 19377476 (cited by Ambry Genetics); PubMed 26739247 (cited by Ambry Genetics).